The following is an entry in ClinVar:

NM_018122.5(DARS2):c.1642C>A (p.Leu548Met)

Gene: DARS2 (aspartyl-tRNA synthetase 2, mitochondrial; plus strand). Cytogenetic location: 1q25.1.
Variant type: single nucleotide variant.
Coding change: c.1642C>A on transcript NM_018122.5 (MANE Select); coding-DNA position 1642, C replaced by A.
Protein change: p.Leu548Met; replaces leucine 548 with methionine.
Molecular consequence: missense variant.
Genome position (GRCh38, 1-based): chr1:173,853,873, C>A. VCF-style: chr1-173853873-C-A. GRCh37 (hg19) VCF-style: chr1-173823011-C-A.
Other names: p.L548M:CTG>ATG; c.1489C>A, p.Leu497Met (NM_001365212.1); short protein forms L548M, L497M.
Identifiers: ClinVar variation 137066 (VCV000137066.66), dbSNP rs149660059, ClinGen allele CA290563.

ClinVar aggregate classification (germline): Benign/Likely benign. Review status: criteria provided, multiple submitters, no conflicts (2 of 4 stars). 11 submissions from 11 submitters: Benign (2); Likely benign (5). 4 of the submissions do not count toward it. Last evaluated 2026-09-01.

Conditions:
DARS2-related disorder. Also called: DARS2-related condition.
Leukoencephalopathy with brain stem and spinal cord involvement-high lactate syndrome (LBSL). Also called: MITOCHONDRIAL ASPARTYL-tRNA SYNTHETASE DEFICIENCY; LEUKOENCEPHALOPATHY WITH BRAINSTEM AND SPINAL CORD INVOLVEMENT AND LACTATE ELEVATION, MILD; Leukoencephalopathy with Brainstem and Spinal Cord Involvement and Lactate Elevation. Identifiers: Orphanet 137898, MedGen C1970180, MONDO:0012622, OMIM 611105.

Allele frequency attached by ClinVar (database versions not stated): 1000 Genomes Project 0.00200; 1000 Genomes Project 30x 0.00203; ESP Exome Variant Server 0.00215; TOPMed 0.00221; gnomAD exomes 0.00343 and 0.00440; ExAC 0.00400; gnomAD 0.00409 and 0.00412.
gnomAD v4.1: 5,605 of 1,614,140 alleles (0.35%); highest among the groups gnomAD compares: Non-Finnish European, 0.3%; 25 homozygotes.

Submissions (11):

CeGaT Center for Human Genetics Tuebingen
Classification: Likely benign. Last evaluated: 2026-09-01. Review status: criteria provided, single submitter. Criteria: CeGaT Center For Human Genetics Tuebingen Variant Classification Criteria Version 2. Collection method: clinical testing. Allele origin: germline. Affected: yes. Observed: 29 variant alleles.
Comment: DARS2: BP4, BS2

Labcorp Genetics (formerly Invitae), Labcorp
Classification: Benign. Last evaluated: 2026-01-05. Review status: criteria provided, single submitter. Criteria: Invitae Variant Classification Sherloc (09022015). Collection method: clinical testing. Allele origin: germline.

Genome-Nilou Lab
Classification: Likely benign for Leukoencephalopathy with brain stem and spinal cord involvement-high lactate syndrome. Last evaluated: 2023-04-11. Review status: criteria provided, single submitter. Criteria: ACMG Guidelines, 2015. Collection method: clinical testing. Allele origin: germline. Affected: no.

Fulgent Genetics
Classification: Likely benign for Leukoencephalopathy with brain stem and spinal cord involvement-high lactate syndrome. Last evaluated: 2022-04-07. Review status: criteria provided, single submitter. Criteria: ACMG Guidelines, 2015. Collection method: clinical testing. Allele origin: unknown.

Illumina Laboratory Services, Illumina
Classification: Likely benign for Leukoencephalopathy with brain stem and spinal cord involvement-high lactate syndrome. Last evaluated: 2018-01-13. Review status: criteria provided, single submitter. Criteria: ICSL Variant Classification Criteria 13 December 2019. Collection method: clinical testing. Allele origin: germline.
Comment: This variant was observed in the ICSL laboratory as part of a predisposition screen in an ostensibly healthy population. It had not been previously curated by ICSL or reported in the Human Gene Mutation Database (HGMD: prior to June 1st, 2018), and was therefore a candidate for classification through an automated scoring system. Utilizing variant allele frequency, disease prevalence and penetrance estimates, and inheritance mode, an automated score was calculated to assess if this variant is too frequent to cause the disease. Based on the score and internal cut-off values, a variant classified as likely benign is not then subjected to further curation. The score for this variant resulted in a classification of likely benign for this disease.

Center for Pediatric Genomic Medicine, Children's Mercy Hospital and Clinics
Classification: Likely benign. Last evaluated: 2015-12-02. Review status: criteria provided, single submitter. Criteria: ACMG Guidelines, 2015. Collection method: clinical testing. Allele origin: germline.
ClinVar note: Converted during submission from Likely Benign to Likely benign.

GeneDx
Classification: Benign. Last evaluated: 2014-04-04. Review status: criteria provided, single submitter. Criteria: GeneDx Variant Classification (06012015). Collection method: clinical testing. Allele origin: germline. Affected: yes.
Comment: This variant is considered likely benign or benign based on one or more of the following criteria: it is a conservative change, it occurs at a poorly conserved position in the protein, it is predicted to be benign by multiple in silico algorithms, and/or has population frequency not consistent with disease.

PreventionGenetics, part of Exact Sciences
Classification: Likely benign for DARS2-related condition. Last evaluated: 2019-08-01. Review status: no assertion criteria provided. Collection method: clinical testing. Allele origin: germline. Not counted in ClinVar's aggregate classification.
Comment: This variant is classified as likely benign based on ACMG/AMP sequence variant interpretation guidelines (Richards et al. 2015 PMID: 25741868, with internal and published modifications).

Mayo Clinic Laboratories, Mayo Clinic
Classification: Likely benign. Last evaluated: 2016-02-25. Review status: no assertion criteria provided. Collection method: clinical testing. Allele origin: unknown. Not counted in ClinVar's aggregate classification.

Clinical Genetics DNA and cytogenetics Diagnostics Lab, Erasmus MC, Erasmus Medical Center
Classification: Likely benign. Review status: no assertion criteria provided. Collection method: clinical testing. Allele origin: germline. Affected: yes. Study: VKGL Data-share Consensus. Not counted in ClinVar's aggregate classification.

Laboratory of Diagnostic Genome Analysis, Leiden University Medical Center (LUMC)
Classification: Likely benign. Review status: no assertion criteria provided. Collection method: clinical testing. Allele origin: germline. Affected: yes. Study: VKGL Data-share Consensus. Not counted in ClinVar's aggregate classification.